The following is an entry in ClinVar:

NM_022114.4(PRDM16):c.1868C>T (p.Ser623Leu)

Gene: PRDM16 (PR/SET domain 16; plus strand). Cytogenetic location: 1p36.32.
Variant type: single nucleotide variant.
Coding change: c.1868C>T on transcript NM_022114.4 (MANE Select); coding-DNA position 1868, C replaced by T.
Protein change: p.Ser623Leu; replaces serine 623 with leucine.
Molecular consequence: missense variant.
Genome position (GRCh38, 1-based): chr1:3,412,065, C>T. VCF-style: chr1-3412065-C-T. GRCh37 (hg19) VCF-style: chr1-3328629-C-T.
Other names: c.1868C>T, p.Ser623Leu (NM_199454.3); short protein forms S623L.
Identifiers: ClinVar variation 1434826 (VCV001434826.8), dbSNP rs758659393, ClinGen allele CA544315.
Genomic context (GRCh38, chr1:3,412,065, plus strand): 5'-ACTTTGAGGACGTCAACACCACCACGGGGACCGACCTGGACACGACCACGGGGACGGGCT[C>T]GGACCTGGACAGCGACGTGGACAGCGACCCTGACAAGGACAAGGGCAAGGGCAAGTCCGC-3'
Protein context (NP_071397.3, residues 613-633): TDLDTTTGTG[Ser623Leu]DLDSDVDSDP

ClinVar aggregate classification (germline): Uncertain significance (1 of 4 stars; one submission).

Conditions:
Left ventricular noncompaction 8 (LVNC8). Identifiers: Orphanet 154, Orphanet 54260, MedGen C3809288, MONDO:0014152, OMIM 615373.

Allele frequency attached by ClinVar (database versions not stated): ExAC 0.00001; gnomAD exomes 0.00001; TOPMed 0.00001.
gnomAD v4.1: 10 of 1,604,820 alleles (0.00062%); highest among the groups gnomAD compares: Admixed American, 0.0017%; no homozygotes.

Submission:

Labcorp Genetics (formerly Invitae), Labcorp
Classification: Uncertain significance for Left ventricular noncompaction 8. Last evaluated: 2021-02-12. Review status: criteria provided, single submitter. Criteria: Invitae Variant Classification Sherloc (09022015). Collection method: clinical testing. Allele origin: germline.
Comment: In summary, the available evidence is currently insufficient to determine the role of this variant in disease. Therefore, it has been classified as a Variant of Uncertain Significance. Algorithms developed to predict the effect of missense changes on protein structure and function (SIFT, PolyPhen-2, Align-GVGD) all suggest that this variant is likely to be disruptive, but these predictions have not been confirmed by published functional studies and their clinical significance is uncertain. This variant has not been reported in the literature in individuals with PRDM16-related conditions. This variant is present in population databases (rs758659393, ExAC 0.002%). This sequence change replaces serine with leucine at codon 623 of the PRDM16 protein (p.Ser623Leu). The serine residue is highly conserved and there is a large physicochemical difference between serine and leucine.